The following is an entry in ClinVar:

ClinVar aggregate classification (germline): Likely benign (1 of 4 stars; one submission).

Submission:

CeGaT Center for Human Genetics Tuebingen
Classification: Likely benign. Last evaluated: 2025-08-01. Review status: criteria provided, single submitter. Criteria: CeGaT Center For Human Genetics Tuebingen Variant Classification Criteria Version 2. Collection method: clinical testing. Allele origin: germline. Affected: yes. Observed: 1 variant allele.
Comment: CLN3: PM2:Supporting, BP4, BP7

NM_001042432.2(CLN3):c.477C>T (p.Ser159=)

Gene: CLN3 (CLN3 lysosomal/endosomal transmembrane protein, battenin; minus strand). Cytogenetic location: 16p12.1.
Variant type: single nucleotide variant.
Coding change: c.477C>T on transcript NM_001042432.2 (MANE Select); coding-DNA position 477, C replaced by T.
Protein change: p.Ser159=; no amino-acid change (serine 159 retained).
Molecular consequence: synonymous variant.
Genome position (GRCh38, 1-based): chr16:28,486,634, G>A on the plus strand (C>T on the coding strand, the complement: CLN3 is on the minus strand). VCF-style: chr16-28486634-G-A. GRCh37 (hg19) VCF-style: chr16-28497955-G-A.
Other names: c.477C>T, p.Ser159= (NM_000086.2); c.405C>T, p.Ser135= (NM_001286104.2); c.177C>T, p.Ser59= (NM_001286105.2); c.243C>T, p.Ser81= (NM_001286109.2); c.315C>T, p.Ser105= (NM_001286110.2).
Identifiers: ClinVar variation 4085122 (VCV004085122.8).